The following is an entry in ClinVar:

NM_001394372.1(BICRA):c.2107-7G>A

Gene: BICRA (BRD4 interacting chromatin remodeling complex associated protein; plus strand). Cytogenetic location: 19q13.33.
Variant type: single nucleotide variant.
Coding change: c.2107-7G>A on transcript NM_001394372.1 (MANE Select); 7 bases into the intron before coding-DNA position 2107, G replaced by A.
Molecular consequence: intron variant.
Genome position (GRCh38, 1-based): chr19:47,681,969, G>A. VCF-style: chr19-47681969-G-A. GRCh37 (hg19) VCF-style: chr19-48185226-G-A.
Other names: c.2107-7G>A (NM_015711.3).
Identifiers: ClinVar variation 2650169 (VCV002650169.24), dbSNP rs557168820, ClinGen allele CA9541840.

ClinVar aggregate classification (germline): Likely benign (1 of 4 stars; one submission).

Allele frequency attached by ClinVar (database versions not stated): TOPMed 0.00016; gnomAD 0.00047; gnomAD exomes 0.00058; 1000 Genomes Project 0.00339; 1000 Genomes Project 30x 0.00359; ExAC 0.00753.
gnomAD v4.1: 883 of 1,550,782 alleles (0.057%); highest among the groups gnomAD compares: South Asian, 0.93%; 24 homozygotes.

Submission:

CeGaT Center for Human Genetics Tuebingen
Classification: Likely benign. Last evaluated: 2023-01-01. Review status: criteria provided, single submitter. Criteria: CeGaT Center For Human Genetics Tuebingen Variant Classification Criteria Version 2. Collection method: clinical testing. Allele origin: germline. Affected: yes. Observed: 1 variant allele.
Comment: BICRA: BP4, BS2